The following is an entry in ClinVar:

ClinVar aggregate classification (germline): Uncertain significance (1 of 4 stars; one submission).

Conditions:
HSD3B7-related disorder. Also called: HSD3B7-related condition.

Submission:

PreventionGenetics, part of Exact Sciences
Classification: Uncertain significance for HSD3B7-related condition. Last evaluated: 2026-06-22. Review status: criteria provided, single submitter. Criteria: ACMG Guidelines, 2015. Collection method: clinical testing. Allele origin: germline.
Comment: The HSD3B7 c.1067_1068delinsAC variant is predicted to result in an in-frame deletion and insertion. To our knowledge, this variant has not been reported in the literature or in a large population database (gnomAD), indicating this variant is rare. At this time, the clinical significance of this variant is uncertain due to the absence of conclusive functional and genetic evidence.

NM_025193.4(HSD3B7):c.1067_1068inv (p.Arg356His)

Gene: HSD3B7 (hydroxy-delta-5-steroid dehydrogenase, 3 beta- and steroid delta-isomerase 7; plus strand). Cytogenetic location: 16p11.2.
Variant type: Inversion.
Coding change: c.1067_1068inv on transcript NM_025193.4 (MANE Select).
Protein change: p.Arg356His; replaces arginine 356 with histidine.
Molecular consequence: missense variant. On other transcripts: 3 prime UTR variant (2).
Genome position: GRCh38 VCF-style: chr16-30988140-GT-AC. GRCh37 (hg19) VCF-style: chr16-30999461-GT-AC.
Other names: c.*313_*314inv (NM_001142777.2, NM_001142778.2); short protein forms R356H.
Identifiers: ClinVar variation 4991406 (VCV004991406.1).
Genomic context (GRCh38, chr16:30,988,140, plus strand): 5'-ACAAGGCTCAGCGCCATTTCGGCTATGAGCCCCTGTTCTCGTGGGAGGATAGCCGGACCC[GT>AC]ACCATTCTCTGGGTACAGGCCGCTACGGGTTCAGCCCAGTGACGGTGGGGCTGGGGCCTG-3'
Protein context (NP_079469.2, residues 346-366): PLFSWEDSRT[Arg356His]TILWVQAATG